The following is an entry in ClinVar:

ClinVar aggregate classification (germline): conflicting data from submitters (0 of 4 stars; one submission).

Submission:

ISCA site 1
Classification: conflicting data from submitters. Last evaluated: 2015-06-22. Review status: no assertion criteria provided. Collection method: clinical testing. Allele origin: unknown, maternal. Affected: yes. Observed: 4 variant alleles. Clinical features observed: Developmental delay AND/OR other significant developmental or morphological phenotypes, Esotropia (HP:0000565), Autism (HP:0000717), Global developmental delay (HP:0001263), Delayed speech and language development (HP:0000750), Delayed gross motor development (HP:0002194), Abnormal facial shape (HP:0002260), Seizures (HP:0001250).
Comment: Likely pathogenic(1), Uncertain significance(3)

Copy number variation identified through the course of routine clinical cytogenomic testing in postnatal populations, with clinical assertions as classified by the original submitter. For data from the original published study, Kaminsky, et al. 2011 (PubMed 21844811), please see nstd101.

GRCh38/hg38 3q29(chr3:195998419-197629463)x3

Genes: BDH1 (3-hydroxybutyrate dehydrogenase 1), CEP19 (centrosomal protein 19; minus strand), DLG1 (discs large MAGUK scaffold protein 1; minus strand), DLG1-AS1 (DLG1 antisense RNA 1; plus strand), DYNLT2B (dynein light chain Tctex-type 2B; minus strand) and 105 more. Cytogenetic location: 3q29.
Variant type: copy number gain.
Change: copy number 3 (three copies instead of two) of chr3:195,998,419-197,629,463 (1.63 Mb, GRCh38 coordinates, 1-based), cytogenetic band 3q29.
Identifiers: ClinVar variation 153314 (VCV000153314.2).